The following is an entry in ClinVar:

ClinVar aggregate classification (germline): Pathogenic (1 of 4 stars; one submission).

Conditions:
Mucopolysaccharidosis, MPS-II (MPS2). Also called: Attenuated MPS (subtype; formerly known as mild MPS II); Severe MPS II; I2S deficiency; MPS 2; Hunter Syndrome; IDURONATE 2-SULFATASE DEFICIENCY. Identifiers: Orphanet 580, Orphanet 79388, MedGen C0026705, MONDO:0010674, OMIM 309900.

Submission:

Labcorp Genetics (formerly Invitae), Labcorp
Classification: Pathogenic for Mucopolysaccharidosis, MPS-II. Last evaluated: 2024-01-10. Review status: criteria provided, single submitter. Criteria: Invitae Variant Classification Sherloc (09022015). Collection method: clinical testing. Allele origin: germline.
Comment: This variant is a gross deletion of the genomic region encompassing exon(s) 9 of the IDS gene, which includes the termination codon. This deletion extends beyond the assayed region for this gene and therefore may encompass additional genes. While this deletion is not anticipated to lead to nonsense mediated decay, it is expected to alter mRNA translation or result in a truncated protein product. A similar copy number variant has been observed in individual(s) with clinical features of mucopolysaccharidosis II (PMID: 16495038, 27883178; Invitae). This variant is also known as large deletion (p.G394_X551) or c.1181-1203_*262del. For these reasons, this variant has been classified as Pathogenic.

Literature cited by the submitters: PubMed 16495038; PubMed 27883178.

NC_000023.10:g.(?_148564277)_(148564769_?)del

Gene: IDS (iduronate 2-sulfatase; minus strand). Cytogenetic location: Xq28.
Variant type: Deletion.
Identifiers: ClinVar variation 2422578 (VCV002422578.4).